The following is an entry in ClinVar:

NM_017837.4(PIGV):c.1363A>T (p.Met455Leu)

Gene: PIGV (phosphatidylinositol glycan anchor biosynthesis class V; plus strand). Cytogenetic location: 1p36.11.
Variant type: single nucleotide variant.
Coding change: c.1363A>T on transcript NM_017837.4 (MANE Select); coding-DNA position 1363, A replaced by T.
Protein change: p.Met455Leu; replaces methionine 455 with leucine.
Molecular consequence: missense variant. On other transcripts: non-coding transcript variant (2).
Genome position (GRCh38, 1-based): chr1:26,797,725, A>T. VCF-style: chr1-26797725-A-T. GRCh37 (hg19) VCF-style: chr1-27124216-A-T.
Other names: c.1363A>T, p.Met455Leu (NM_001202554.2, NM_001374478.1, NM_001374480.1 and 2 more transcripts); c.982A>T, p.Met328Leu (NM_001374483.1); c.736A>T, p.Met246Leu (NM_001374484.1, NM_001374485.1); c.241A>T, p.Met81Leu (NM_001374486.1); short protein forms M328L, M246L, M455L, M81L.
Identifiers: ClinVar variation 1468653 (VCV001468653.8), dbSNP rs2124208341, ClinGen allele CA339204293.

ClinVar aggregate classification (germline): Uncertain significance (1 of 4 stars; one submission).

Submission:

Labcorp Genetics (formerly Invitae), Labcorp
Classification: Uncertain significance. Last evaluated: 2021-04-02. Review status: criteria provided, single submitter. Criteria: Invitae Variant Classification Sherloc (09022015). Collection method: clinical testing. Allele origin: germline.
Comment: In summary, the available evidence is currently insufficient to determine the role of this variant in disease. Therefore, it has been classified as a Variant of Uncertain Significance. Algorithms developed to predict the effect of missense changes on protein structure and function output the following: SIFT: "Tolerated"; PolyPhen-2: "Benign"; Align-GVGD: "Class C0". The leucine amino acid residue is found in multiple mammalian species, suggesting that this missense change does not adversely affect protein function. These predictions have not been confirmed by published functional studies and their clinical significance is uncertain. This variant has not been reported in the literature in individuals with PIGV-related conditions. This variant is not present in population databases (ExAC no frequency). This sequence change replaces methionine with leucine at codon 455 of the PIGV protein (p.Met455Leu). The methionine residue is weakly conserved and there is a small physicochemical difference between methionine and leucine.